The following is an entry in ClinVar:

NM_020166.5(MCCC1):c.611_612dup (p.Lys205fs)

Gene: MCCC1 (methylcrotonyl-CoA carboxylase subunit 1; minus strand). Cytogenetic location: 3q27.1.
Variant type: Duplication.
Coding change: c.611_612dup on transcript NM_020166.5 (MANE Select); coding-DNA positions 611 to 612, 2 bases duplicated (TT; older notation c.611_612dupTT).
Protein change: p.Lys205fs; shifts the reading frame from lysine 205.
Molecular consequence: frameshift variant. On other transcripts: non-coding transcript variant (2).
Genome position (GRCh38, 1-based): chr3:183,071,237-183,071,238, AA duplicated on the plus strand (TT on the coding strand, the reverse complement: MCCC1 is on the minus strand). VCF-style (leftmost placement, unchanged base first): chr3-183071236-T-TAA. GRCh37 (hg19) VCF-style: chr3-182789024-T-TAA.
Other names: c.260_261dup, p.Lys88fs (NM_001293273.2); c.284_285dup, p.Lys96fs (NM_001363880.1); short protein forms K88fs, K205fs, K96fs.
Identifiers: ClinVar variation 2999882 (VCV002999882.3), dbSNP rs2530362884, ClinGen allele CA2740091062.

ClinVar aggregate classification (germline): Pathogenic (1 of 4 stars; one submission).

Conditions:
3-methylcrotonyl-CoA carboxylase 1 deficiency (MCC1D). Also called: MCCD TYPE 1; METHYLCROTONYLGLYCINURIA TYPE I; MCC 1 deficiency; 3 Alpha methylcrotonylglycinuria 1. Identifiers: Orphanet 6, MedGen CN028786, MONDO:0008861, OMIM 210200.

Submission:

Labcorp Genetics (formerly Invitae), Labcorp
Classification: Pathogenic for 3-methylcrotonyl-CoA carboxylase 1 deficiency. Last evaluated: 2025-12-24. Review status: criteria provided, single submitter. Criteria: Invitae Variant Classification Sherloc (09022015). Collection method: clinical testing. Allele origin: germline.
Comment: This sequence change creates a premature translational stop signal (p.Lys205Leufs*12) in the MCCC1 gene. It is expected to result in an absent or disrupted protein product. Loss-of-function variants in MCCC1 are known to be pathogenic (PMID: 11181649, 15359379, 22642865). This variant is not present in population databases (gnomAD no frequency). This variant has not been reported in the literature in individuals affected with MCCC1-related conditions. ClinVar contains an entry for this variant (Variation ID: 2999882). For these reasons, this variant has been classified as Pathogenic.

Literature cited by the submitters: PubMed 11181649; PubMed 15359379; PubMed 22642865.